The following is an entry in ClinVar:

NM_004385.5(VCAN):c.5177A>G (p.Lys1726Arg)

Genes: VCAN (versican; plus strand), VCAN-AS1 (VCAN antisense RNA 1; minus strand). Cytogenetic location: 5q14.3.
Variant type: single nucleotide variant.
Coding change: c.5177A>G on transcript NM_004385.5 (MANE Select); coding-DNA position 5177, A replaced by G.
Protein change: p.Lys1726Arg; replaces lysine 1726 with arginine.
Molecular consequence: missense variant. On other transcripts: intron variant (2).
Genome position (GRCh38, 1-based): chr5:83,538,180, A>G. VCF-style: chr5-83538180-A-G. GRCh37 (hg19) VCF-style: chr5-82833999-A-G.
Other names: c.1043-7357A>G (NM_001126336.3); c.2216A>G, p.Lys739Arg (NM_001164097.2); c.4004-7357A>G (NM_001164098.2); short protein forms K1726R, K739R.
Identifiers: ClinVar variation 2696519 (VCV002696519.3), dbSNP rs1158287037, ClinGen allele CA360309848.

ClinVar aggregate classification (germline): Uncertain significance (1 of 4 stars; one submission).

Allele frequency attached by ClinVar (database versions not stated): gnomAD 0.00001.
gnomAD v4.1: 1 of 1,613,838 alleles (0.000062%); highest among the groups gnomAD compares: Non-Finnish European, 0.000085%; no homozygotes.

Submission:

Labcorp Genetics (formerly Invitae), Labcorp
Classification: Uncertain significance. Last evaluated: 2023-11-17. Review status: criteria provided, single submitter. Criteria: Invitae Variant Classification Sherloc (09022015). Collection method: clinical testing. Allele origin: germline.
Comment: This sequence change replaces lysine, which is basic and polar, with arginine, which is basic and polar, at codon 1726 of the VCAN protein (p.Lys1726Arg). This variant is present in population databases (no rsID available, gnomAD 0.007%). This variant has not been reported in the literature in individuals affected with VCAN-related conditions. An algorithm developed to predict the effect of missense changes on protein structure and function (PolyPhen-2) suggests that this variant is likely to be tolerated. In summary, the available evidence is currently insufficient to determine the role of this variant in disease. Therefore, it has been classified as a Variant of Uncertain Significance.